The following is an entry in ClinVar:

ClinVar aggregate classification (germline): Conflicting classifications of pathogenicity. Review status: criteria provided, conflicting classifications (1 of 4 stars). 5 submissions from 5 submitters: Uncertain significance (4); Benign (1). Last evaluated 2026-01-12.

Conditions:
Cardiovascular phenotype. Identifiers: MedGen CN230736.
Primary familial hypertrophic cardiomyopathy (HCM). Identifiers: Orphanet 99739, MedGen C0949658, MeSH D024741, MONDO:0024573. Inheritance: Various modes of inheritance.
Dilated cardiomyopathy 1AA (CMD1AA). Also called: CARDIOMYOPATHY, DILATED, 1AA, WITH OR WITHOUT LEFT VENTRICULAR NONCOMPACTION; CARDIOMYOPATHY, FAMILIAL HYPERTROPHIC, 23, WITH OR WITHOUT LEFT VENTRICULAR NONCOMPACTION; Cardiomyopathy, dilated, 1AA, with or without LVNC. Identifiers: Orphanet 154, MedGen C2677338, MONDO:0012808, OMIM 612158.

Allele frequency attached by ClinVar (database versions not stated): gnomAD 0.00001 and 0.00002; gnomAD exomes 0.00001 and 0.00002; TOPMed 0.00001; ExAC 0.00002.
gnomAD v4.1: 16 of 1,614,022 alleles (0.00099%); highest among the groups gnomAD compares: East Asian, 0.0022%; no homozygotes.

Submissions (5):

Labcorp Genetics (formerly Invitae), Labcorp
Classification: Benign for Primary familial hypertrophic cardiomyopathy; Dilated cardiomyopathy 1AA. Last evaluated: 2026-01-12. Review status: criteria provided, single submitter. Criteria: Invitae Variant Classification Sherloc (09022015). Collection method: clinical testing. Allele origin: germline.

Ambry Genetics
Classification: Uncertain significance for Cardiovascular phenotype. Last evaluated: 2025-05-24. Review status: criteria provided, single submitter. Criteria: Ambry Variant Classification Scheme 2023. Collection method: clinical testing. Allele origin: germline.
Comment: The p.R662Q variant (also known as c.1985G>A), located in coding exon 17 of the ACTN2 gene, results from a G to A substitution at nucleotide position 1985. The arginine at codon 662 is replaced by glutamine, an amino acid with highly similar properties. This amino acid position is conserved. In addition, this alteration is predicted to be tolerated by in silico analysis. Based on the available evidence, the clinical significance of this variant remains unclear.

Blueprint Genetics
Classification: Uncertain significance. Last evaluated: 2024-05-14. Review status: criteria provided, single submitter. Criteria: ACMG Guidelines, 2015. Collection method: clinical testing. Allele origin: germline.

Victorian Clinical Genetics Services, Murdoch Childrens Research Institute
Classification: Uncertain significance for Dilated cardiomyopathy 1AA. Last evaluated: 2021-05-06. Review status: criteria provided, single submitter. Criteria: ACMG Guidelines, 2015. Collection method: clinical testing. Allele origin: germline. Inheritance: Autosomal dominant inheritance. Affected: yes.
Comment: Based on the classification scheme VCGS_Germline_v1.3.4, this variant is classified as VUS-3B. Following criteria are met: 0102 - Loss of function is a known mechanism of disease in this gene and is associated with ACTN2-related disease (OMIM). A loss of function mechanism has been described for several missense variants, however dominant negative is also strongly suspected (PMID: 27287556, Lindholm, ME. et al. (2020)). (I) 0107 - This gene is associated with autosomal dominant disease. A single example of an individual with recessive disease has also been reported (Lindholm, ME. et al. (2020)). (I) 0200 - Variant is predicted to result in a missense amino acid change from arginine to glutamine. (I) 0251 - This variant is heterozygous. (I) 0302 - Variant is present in gnomAD (v2) <0.001 for a dominant condition (4 heterozygotes, 0 homozygotes). (SP) 0309 - An alternative amino acid change at the same position has been observed in gnomAD (v2) (9 heterozygotes, 0 homozygotes). (I) 0502 - Missense variant with conflicting in silico predictions and uninformative conservation. (I) 0600 - Variant is located in the annotated spectrin repeat 4 (Uniprot, NCBI). (I) 0705 - No comparable missense variants have previous evidence for pathogenicity. An alternative missense variant p.(Arg662Trp) with a stronger Grantham change, has been reported several times as a VUS, and has been observed in an individual with dilated cardiomyopathy (LOVD, ClinVar, PMID: 27930701). (I) 0809 - Previous evidence of pathogenicity for this variant is inconclusive. This variant has been reported as a VUS (ClinVar). (I) 0905 - No published segregation evidence has been identified for this variant. (I) 1007 - No published functional evidence has been identified for this variant. (I) 1208 - Inheritance information for this variant is not currently available in this individual. (I) Legend: (SP) - Supporting pathogenic, (I) - Information, (SB) - Supporting benign

GeneDx
Classification: Uncertain significance. Last evaluated: 2019-06-24. Review status: criteria provided, single submitter. Criteria: GeneDx Variant Classification Process June 2021. Collection method: clinical testing. Allele origin: germline. Affected: yes.
Comment: In silico analysis, which includes protein predictors and evolutionary conservation, supports that this variant does not alter protein structure/function; Has not been previously published as pathogenic or benign to our knowledge

Literature cited by the submitters: PubMed 27287556 (cited by Victorian Clinical Genetics Services, Murdoch Childrens Research Institute); PubMed 27930701 (cited by Victorian Clinical Genetics Services, Murdoch Childrens Research Institute).

NM_001103.4(ACTN2):c.1985G>A (p.Arg662Gln)

Gene: ACTN2 (actinin alpha 2; plus strand). Cytogenetic location: 1q43.
Variant type: single nucleotide variant.
Coding change: c.1985G>A on transcript NM_001103.4 (MANE Select); coding-DNA position 1985, G replaced by A.
Protein change: p.Arg662Gln; replaces arginine 662 with glutamine.
Molecular consequence: missense variant.
Genome position (GRCh38, 1-based): chr1:236,755,029, G>A. VCF-style: chr1-236755029-G-A. GRCh37 (hg19) VCF-style: chr1-236918329-G-A.
Other names: p.R662Q:CGG>CAG; c.1985G>A, p.Arg662Gln (NM_001278343.2); c.1361G>A, p.Arg454Gln (NM_001278344.2); short protein forms R662Q, R454Q.
Identifiers: ClinVar variation 201645 (VCV000201645.17), dbSNP rs764931229, ClinGen allele CA335039.
Genomic context (GRCh38, chr1:236,755,029, plus strand): 5'-AGGGCACTTCACTCTGCTTCTCTCTCTGCTTGCTCACTCGCCCCCCTCAGGAGATTGCCC[G>A]GAGCTCCATCCAGATCACAGGAGCCCTGGAAGACCAGATGAACCAGCTGAAGCAGTATGA-3'
Protein context (NP_001094.1, residues 652-672): WIQNKMEEIA[Arg662Gln]SSIQITGALE